The following is an entry in ClinVar:

NM_001482.3(GATM):c.989T>C (p.Phe330Ser)

Gene: GATM (glycine amidinotransferase; minus strand). Cytogenetic location: 15q21.1.
Variant type: single nucleotide variant.
Coding change: c.989T>C on transcript NM_001482.3 (MANE Select); coding-DNA position 989, T replaced by C.
Protein change: p.Phe330Ser; replaces phenylalanine 330 with serine.
Molecular consequence: missense variant.
Genome position (GRCh38, 1-based): chr15:45,364,850, A>G on the plus strand (T>C on the coding strand, the complement: GATM is on the minus strand). VCF-style: chr15-45364850-A-G. GRCh37 (hg19) VCF-style: chr15-45657048-A-G.
Other names: c.602T>C, p.Phe201Ser (NM_001321015.2); short protein forms F201S, F330S.
Identifiers: ClinVar variation 1431076 (VCV001431076.8), dbSNP rs2140639842, ClinGen allele CA392256668.

ClinVar aggregate classification (germline): Uncertain significance (1 of 4 stars; one submission).

Conditions:
Arginine:glycine amidinotransferase deficiency (CCDS3). Also called: AGAT deficiency; L-Arginine:Glycine Amidinotransferase Deficiency; Creatine deficiency syndrome due to AGAT deficiency; GATM deficiency; L-Arginine:Glycine Amidinotransferase (AGAT) Deficiency; Cerebral creatine deficiency syndrome 3. Identifiers: Orphanet 35704, MedGen C2675179, MONDO:0012996, OMIM 612718.

Submission:

Labcorp Genetics (formerly Invitae), Labcorp
Classification: Uncertain significance for Arginine:glycine amidinotransferase deficiency. Last evaluated: 2021-02-23. Review status: criteria provided, single submitter. Criteria: Invitae Variant Classification Sherloc (09022015). Collection method: clinical testing. Allele origin: germline.
Comment: Algorithms developed to predict the effect of missense changes on protein structure and function are either unavailable or do not agree on the potential impact of this missense change (SIFT: "Deleterious"; PolyPhen-2: "Probably Damaging"; Align-GVGD: "Class C0"). In summary, the available evidence is currently insufficient to determine the role of this variant in disease. Therefore, it has been classified as a Variant of Uncertain Significance. This sequence change replaces phenylalanine with serine at codon 330 of the GATM protein (p.Phe330Ser). The phenylalanine residue is highly conserved and there is a large physicochemical difference between phenylalanine and serine. This variant is not present in population databases (ExAC no frequency). This variant has not been reported in the literature in individuals with GATM-related conditions.